The following is an entry in ClinVar:

NM_014244.5(ADAMTS2):c.2716A>T (p.Arg906Ter)

Gene: ADAMTS2 (ADAM metallopeptidase with thrombospondin type 1 motif 2; minus strand). Cytogenetic location: 5q35.3.
Variant type: single nucleotide variant.
Coding change: c.2716A>T on transcript NM_014244.5 (MANE Select); coding-DNA position 2716, A replaced by T.
Protein change: p.Arg906Ter; replaces arginine 906 with a stop codon.
Molecular consequence: nonsense.
Genome position (GRCh38, 1-based): chr5:179,126,032, T>A on the plus strand (A>T on the coding strand, the complement: ADAMTS2 is on the minus strand). VCF-style: chr5-179126032-T-A. GRCh37 (hg19) VCF-style: chr5-178553033-T-A.
Other names: short protein forms R906*.
Identifiers: ClinVar variation 1458940 (VCV001458940.6), dbSNP rs2113190301, ClinGen allele CA362421816.
Genomic context (GRCh38, chr5:179,126,032, plus strand): 5'-TGGGAGCCCGAGCTGGGGGCACTCACACTGGCTGGGAGCATTCCTGTGGGTTGCACGCTC[T>A]GCGGATGGCTTTGGGCTTCGAGAGGGCGGCACAGAAGCCACGGTGTACCATCTTGTGGTC-3'

ClinVar aggregate classification (germline): Pathogenic (1 of 4 stars; one submission).

Conditions:
Ehlers-Danlos syndrome, dermatosparaxis type. Also called: Ehlers-Danlos syndrome, type VII, autosomal recessive; EDS VIIC; Dermatosparaxis. Identifiers: Orphanet 1901, MedGen C2700425, MONDO:0009161, OMIM 225410.

Submission:

Labcorp Genetics (formerly Invitae), Labcorp
Classification: Pathogenic for Ehlers-Danlos syndrome, dermatosparaxis type. Last evaluated: 2026-01-01. Review status: criteria provided, single submitter. Criteria: Invitae Variant Classification Sherloc (09022015). Collection method: clinical testing. Allele origin: germline.
Comment: This sequence change creates a premature translational stop signal (p.Arg906*) in the ADAMTS2 gene. It is expected to result in an absent or disrupted protein product. Loss-of-function variants in ADAMTS2 are known to be pathogenic (PMID: 10417273). This variant is not present in population databases (gnomAD no frequency). This variant has not been reported in the literature in individuals affected with ADAMTS2-related conditions. ClinVar contains an entry for this variant (Variation ID: 1458940). For these reasons, this variant has been classified as Pathogenic.

Literature cited by the submitters: PubMed 10417273.